The following is an entry in ClinVar:

NM_152424.4(AMER1):c.2125T>A (p.Cys709Ser)

Gene: AMER1 (APC membrane recruitment protein 1; minus strand). Cytogenetic location: Xq11.2.
Variant type: single nucleotide variant.
Coding change: c.2125T>A on transcript NM_152424.4 (MANE Select); coding-DNA position 2125, T replaced by A.
Protein change: p.Cys709Ser; replaces cysteine 709 with serine.
Molecular consequence: missense variant.
Genome position (GRCh38, 1-based): chrX:64,191,162, A>T on the plus strand (T>A on the coding strand, the complement: AMER1 is on the minus strand). VCF-style: chrX-64191162-A-T. GRCh37 (hg19) VCF-style: chrX-63411042-A-T.
Other names: short protein forms C709S.
Identifiers: ClinVar variation 2084900 (VCV002084900.4), dbSNP rs2147086743, ClinGen allele CA413305430.

ClinVar aggregate classification (germline): Uncertain significance (1 of 4 stars; one submission).

Submission:

Labcorp Genetics (formerly Invitae), Labcorp
Classification: Uncertain significance. Last evaluated: 2022-07-06. Review status: criteria provided, single submitter. Criteria: Invitae Variant Classification Sherloc (09022015). Collection method: clinical testing. Allele origin: germline.
Comment: In summary, the available evidence is currently insufficient to determine the role of this variant in disease. Therefore, it has been classified as a Variant of Uncertain Significance. Algorithms developed to predict the effect of missense changes on protein structure and function are either unavailable or do not agree on the potential impact of this missense change (SIFT: "Tolerated"; PolyPhen-2: "Possibly Damaging"; Align-GVGD: "Class C0"). This variant has not been reported in the literature in individuals affected with AMER1-related conditions. This variant is not present in population databases (gnomAD no frequency). This sequence change replaces cysteine, which is neutral and slightly polar, with serine, which is neutral and polar, at codon 709 of the AMER1 protein (p.Cys709Ser).